The following is an entry in ClinVar:

NM_020778.5(ALPK3):c.2365A>C (p.Thr789Pro)

Gene: ALPK3 (alpha kinase 3; plus strand). Cytogenetic location: 15q25.3.
Variant type: single nucleotide variant.
Coding change: c.2365A>C on transcript NM_020778.5 (MANE Select); coding-DNA position 2365, A replaced by C.
Protein change: p.Thr789Pro; replaces threonine 789 with proline.
Molecular consequence: missense variant.
Genome position (GRCh38, 1-based): chr15:84,857,103, A>C. VCF-style: chr15-84857103-A-C. GRCh37 (hg19) VCF-style: chr15-85400334-A-C.
Other names: short protein forms T789P.
Identifiers: ClinVar variation 4089024 (VCV004089024.1).

ClinVar aggregate classification (germline): Uncertain significance (1 of 4 stars; one submission).

Conditions:
Cardiovascular phenotype. Identifiers: MedGen CN230736.

Submission:

Ambry Genetics
Classification: Uncertain significance for Cardiovascular phenotype. Last evaluated: 2025-07-30. Review status: criteria provided, single submitter. Criteria: Ambry Variant Classification Scheme 2023. Collection method: clinical testing. Allele origin: germline.
Comment: The p.T991P variant (also known as c.2971A>C), located in coding exon 6 of the ALPK3 gene, results from an A to C substitution at nucleotide position 2971. The threonine at codon 991 is replaced by proline, an amino acid with highly similar properties. This amino acid position is conserved. In addition, this alteration is predicted to be tolerated by in silico analysis. Based on the available evidence, the clinical significance of this variant remains unclear.